The following is an entry in ClinVar:

ClinVar aggregate classification (germline): Uncertain significance (1 of 4 stars; one submission).

Conditions:
Hereditary cancer-predisposing syndrome. Also called: Neoplastic Syndromes, Hereditary; Tumor predisposition; Hereditary Cancer Syndrome; Hereditary neoplastic syndrome. Identifiers: Orphanet 140162, MedGen C0027672, MeSH D009386, MONDO:0015356.

gnomAD v4.1: 1 of 1,610,494 alleles (0.000062%); highest among the groups gnomAD compares: South Asian, 0.0011%; no homozygotes.

Submission:

Ambry Genetics
Classification: Uncertain significance for Hereditary cancer-predisposing syndrome. Last evaluated: 2025-11-29. Review status: criteria provided, single submitter. Criteria: Ambry Variant Classification Scheme 2023. Collection method: clinical testing. Allele origin: germline.
Comment: The p.I906L variant (also known as c.2716A>C), located in coding exon 17 of the CTNNA1 gene, results from an A to C substitution at nucleotide position 2716. The isoleucine at codon 906 is replaced by leucine, an amino acid with highly similar properties. This amino acid position is conserved. In addition, this alteration is predicted to be tolerated by in silico analysis. Based on the available evidence, the clinical significance of this variant remains unclear.

NM_001903.5(CTNNA1):c.2716A>C (p.Ile906Leu)

Gene: CTNNA1 (catenin alpha 1; plus strand). Cytogenetic location: 5q31.2.
Variant type: single nucleotide variant.
Coding change: c.2716A>C on transcript NM_001903.5 (MANE Select); coding-DNA position 2716, A replaced by C.
Protein change: p.Ile906Leu; replaces isoleucine 906 with leucine.
Molecular consequence: missense variant. On other transcripts: 3 prime UTR variant (5).
Genome position (GRCh38, 1-based): chr5:138,934,084, A>C. VCF-style: chr5-138934084-A-C. GRCh37 (hg19) VCF-style: chr5-138269773-A-C.
Other names: c.*261A>C (NM_001290307.3, NM_001324002.1, NM_001324003.1 and 2 more transcripts); c.2407A>C, p.Ile803Leu (NM_001290309.3); c.2347A>C, p.Ile783Leu (NM_001290310.3); c.1606A>C, p.Ile536Leu (NM_001290312.1, NM_001323987.1, NM_001323988.1 and 12 more transcripts); c.2716A>C, p.Ile906Leu (NM_001323982.2, NM_001323983.1, NM_001323984.2); c.2689A>C, p.Ile897Leu (NM_001323985.2); c.2623A>C, p.Ile875Leu (NM_001323986.2); c.1471A>C, p.Ile491Leu (NM_001324001.1); and 3 more; short protein forms I455L, I491L, I783L, I897L, I906L, I505L, I536L, I803L.
Identifiers: ClinVar variation 4635589 (VCV004635589.1).